The following is an entry in ClinVar:

NM_002693.3(POLG):c.1947C>T (p.Tyr649=)

Gene: POLG (DNA polymerase gamma, catalytic subunit; minus strand). Cytogenetic location: 15q26.1.
Variant type: single nucleotide variant.
Coding change: c.1947C>T on transcript NM_002693.3 (MANE Select); coding-DNA position 1947, C replaced by T.
Protein change: p.Tyr649=; no amino-acid change (tyrosine 649 retained).
Molecular consequence: synonymous variant.
Genome position (GRCh38, 1-based): chr15:89,325,452, G>A on the plus strand (C>T on the coding strand, the complement: POLG is on the minus strand). VCF-style: chr15-89325452-G-A. GRCh37 (hg19) VCF-style: chr15-89868683-G-A.
Other names: c.1947C>T, p.Tyr649= (NM_001126131.2); c.1947C>T (NM_002693.2).
Identifiers: ClinVar variation 1581528 (VCV001581528.13), dbSNP rs1465650547, ClinGen allele CA492289171.
Genomic context (GRCh38, chr15:89,325,452, plus strand): 5'-AGCCAGGGGAAGGGGTCCCTAGGCTCCAGCCCCTTCCTCCCCTGGGCCTAAGCCTTACCT[G>A]TAGGGGCAGACCACCCCAGCTGACTCCAGGGTGGTACCTGTCGGCAGCTTGGCCAGGTTG-3'
Protein context (NP_002684.1, residues 639-659): TLESAGVVCP[Tyr649=]RAIESLYRKH

ClinVar aggregate classification (germline): Likely benign. Review status: criteria provided, single submitter (1 of 4 stars). 2 submissions from 2 submitters: Likely benign (1). 1 of the submissions does not count toward it. Last evaluated 2025-10-18.

Conditions:
POLG-related disorder. Also called: POLG-related condition; POLG-Related Disorders; POLG-Related Spectrum Disorders. Identifiers: MedGen C4763519.
Progressive sclerosing poliodystrophy (MTDPS4A). Also called: Mitochondrial DNA depletion syndrome 4A (Alpers type); Alpers-Huttenlocher Syndrome (AHS); Alpers Syndrome; ALPERS DIFFUSE DEGENERATION OF CEREBRAL GRAY MATTER WITH HEPATIC CIRRHOSIS; Alpers-Huttenlocher Syndrome; ALPERS PROGRESSIVE INFANTILE POLIODYSTROPHY. Identifiers: Orphanet 726, MedGen C0205710, MONDO:0008758, OMIM 203700.

Allele frequency attached by ClinVar (database versions not stated): TOPMed 0.00003.
gnomAD v4.1: 4 of 1,598,362 alleles (0.00025%); highest among the groups gnomAD compares: African/African-American, 0.0027%; no homozygotes.

Submissions (2):

Labcorp Genetics (formerly Invitae), Labcorp
Classification: Likely benign for Progressive sclerosing poliodystrophy. Last evaluated: 2025-10-18. Review status: criteria provided, single submitter. Criteria: Invitae Variant Classification Sherloc (09022015). Collection method: clinical testing. Allele origin: germline.

PreventionGenetics, part of Exact Sciences
Classification: Likely benign for POLG-related condition. Last evaluated: 2022-11-02. Review status: no assertion criteria provided. Collection method: clinical testing. Allele origin: germline. Not counted in ClinVar's aggregate classification.
Comment: This variant is classified as likely benign based on ACMG/AMP sequence variant interpretation guidelines (Richards et al. 2015 PMID: 25741868, with internal and published modifications).